The following is an entry in ClinVar:

NM_001292063.2(OTOG):c.2561+1del

Gene: OTOG (otogelin; plus strand). Cytogenetic location: 11p15.1.
Variant type: Deletion.
Coding change: c.2561+1del on transcript NM_001292063.2 (MANE Select); the canonical splice donor site of the intron after coding-DNA position 2561, one base deleted (G; older notation c.2561+1delG).
Molecular consequence: splice donor variant.
Genome position (GRCh38, 1-based): chr11:17,576,631, G deleted; the last of 2 consecutive G bases (chr11:17,576,630-17,576,631); deleting either gives the same sequence. VCF-style (leftmost placement, unchanged base first): chr11-17576629-TG-T. GRCh37 (hg19) VCF-style: chr11-17598176-TG-T.
Other names: c.2597+1del (NM_001277269.2).
Identifiers: ClinVar variation 977076 (VCV000977076.5), dbSNP rs1852533572, ClinGen allele CA1139661857.

ClinVar aggregate classification (germline): Likely pathogenic. Review status: criteria provided, multiple submitters, no conflicts (2 of 4 stars). 3 submissions from 3 submitters: Likely pathogenic (3). Last evaluated 2025-04-11.

Conditions:
OTOG-related disorder. Also called: OTOG-related condition.
Autosomal recessive nonsyndromic hearing loss 18B. Also called: Deafness, autosomal recessive 18b. Identifiers: Orphanet 90636, MedGen C3554163, MONDO:0013985, OMIM 614945.

Submissions (3):

GeneDx
Classification: Likely pathogenic. Last evaluated: 2025-04-11. Review status: criteria provided, single submitter. Criteria: GeneDx Variant Classification Process June 2021. Collection method: clinical testing. Allele origin: germline. Affected: yes.
Comment: Canonical splice site variant expected to result in aberrant splicing, although in the absence of functional evidence the actual effect of this sequence change is unknown.; Not observed in large population cohorts (gnomAD); This variant is associated with the following publications: (PMID: 33223529)

Blueprint Genetics
Classification: Likely pathogenic for OTOG-related disorders. Last evaluated: 2022-12-14. Review status: criteria provided, single submitter. Criteria: ACMG Guidelines, 2015. Collection method: clinical testing. Allele origin: germline. Affected: yes. Observed: 2 variant alleles.

Hadassah Hebrew University Medical Center
Classification: Likely pathogenic for Deafness, autosomal recessive 18B. Last evaluated: 2019-06-20. Review status: criteria provided, single submitter. Criteria: ACMG Guidelines, 2015. Collection method: clinical testing. Allele origin: germline.

Literature cited by the submitters: PubMed 33223529 (cited by Hadassah Hebrew University Medical Center).